The following is an entry in ClinVar:

NM_000901.5(NR3C2):c.1758-3C>T

Gene: NR3C2 (nuclear receptor subfamily 3 group C member 2; minus strand). Cytogenetic location: 4q31.23.
Variant type: single nucleotide variant.
Coding change: c.1758-3C>T on transcript NM_000901.5 (MANE Select); 3 bases into the intron before coding-DNA position 1758, C replaced by T.
Molecular consequence: intron variant.
Genome position (GRCh38, 1-based): chr4:148,260,120, G>A on the plus strand (C>T on the coding strand, the complement: NR3C2 is on the minus strand). VCF-style: chr4-148260120-G-A. GRCh37 (hg19) VCF-style: chr4-149181272-G-A.
Other names: c.1758-3C>T (NM_001354819.1, NM_001166104.2).
Identifiers: ClinVar variation 2443197 (VCV002443197.2), dbSNP rs2531133020, ClinGen allele CA2580071584.

ClinVar aggregate classification (germline): Uncertain significance (0 of 4 stars; one submission).

Submission:

Genetic Services Laboratory, University of Chicago
Classification: Uncertain significance. Last evaluated: 2022-08-02. Review status: no assertion criteria provided. Collection method: clinical testing. Allele origin: germline. Affected: no.
Comment: DNA sequence analysis of the NR3C2 gene demonstrated a sequence change in intron 2, c.1758-3C>T. This change does not appear to have been previously described in individuals with NR3C2-related disorders and has also not been described in population databases such as ExAC and gnomAD . This sequence change is not predicted to have a deleterious effect on splicing based on in-silico splice prediction programs. It is possible that this sequence change represents a benign sequence change in the NR3C2 gene that has not been identified to date. The functional significance of this sequence change is not known at present and its contribution to this individual's disease phenotype cannot definitively be determined.